The following is an entry in ClinVar:

ClinVar aggregate classification (germline): Benign. Review status: criteria provided, multiple submitters, no conflicts (2 of 4 stars). 3 submissions from 3 submitters: Benign (3). Last evaluated 2018-11-12.

Allele frequency attached by ClinVar (database versions not stated): ESP Exome Variant Server 0.08320; 1000 Genomes Project 30x 0.09650; 1000 Genomes Project 0.09764; TOPMed 0.12241; gnomAD 0.12427 and 0.12481; gnomAD exomes 0.12891 and 0.16462; ExAC 0.13916.
gnomAD v4.1: 253,098 of 1,576,616 alleles (16%); highest among the groups gnomAD compares: Non-Finnish European, 18%; 24,270 homozygotes.

Submissions (3):

GeneDx
Classification: Benign. Last evaluated: 2018-11-12. Review status: criteria provided, single submitter. Criteria: GeneDx Variant Classification Process June 2021. Collection method: clinical testing. Allele origin: germline. Affected: yes.

Laboratory for Molecular Medicine, Mass General Brigham Personalized Medicine
Classification: Benign. Last evaluated: 2016-03-28. Review status: criteria provided, single submitter. Criteria: LMM Criteria. Collection method: clinical testing. Allele origin: germline.
Comment: Variant identified in a genome or exome case(s) and assessed due to predicted null impact of the variant or pathogenic assertions in the literature or databases. Disclaimer: This variant has not undergone full assessment. The following are preliminary notes: Frequency

Breakthrough Genomics
Classification: Benign. Review status: criteria provided, single submitter. Criteria: ACMG Guidelines, 2015. Collection method: not provided. Allele origin: germline. Inheritance: Autosomal dominant inheritance. Affected: yes.

NM_002458.3(MUC5B):c.6780A>G (p.Arg2260=)

Genes: MUC5B (mucin 5B, oligomeric mucus/gel-forming; plus strand), MUC5B-AS1 (MUC5B antisense RNA 1; minus strand). Cytogenetic location: 11p15.5.
Variant type: single nucleotide variant.
Coding change: c.6780A>G on transcript NM_002458.3 (MANE Select); coding-DNA position 6780, A replaced by G.
Protein change: p.Arg2260=; no amino-acid change (arginine 2260 retained).
Molecular consequence: synonymous variant.
Genome position (GRCh38, 1-based): chr11:1,243,660, A>G. VCF-style: chr11-1243660-A-G. GRCh37 (hg19) VCF-style: chr11-1264890-A-G.
Identifiers: ClinVar variation 403141 (VCV000403141.7), dbSNP rs12286473, ClinGen allele CA5806127.